The following is an entry in ClinVar:

ClinVar aggregate classification (germline): Uncertain significance (1 of 4 stars; one submission).

Submission:

GeneDx
Classification: Uncertain significance. Last evaluated: 2025-02-19. Review status: criteria provided, single submitter. Criteria: GeneDx Variant Classification Process June 2021. Collection method: clinical testing. Allele origin: germline.
Comment: Not observed at significant frequency in large population cohorts (gnomAD); In silico analysis supports that this missense variant has a deleterious effect on protein structure/function; Has not been previously published as pathogenic or benign to our knowledge

NM_014049.5(ACAD9):c.1071G>C (p.Glu357Asp)

Gene: ACAD9 (acyl-CoA dehydrogenase family member 9; plus strand). Cytogenetic location: 3q21.3.
Variant type: single nucleotide variant.
Coding change: c.1071G>C on transcript NM_014049.5 (MANE Select); coding-DNA position 1071, G replaced by C.
Protein change: p.Glu357Asp; replaces glutamic acid 357 with aspartic acid.
Molecular consequence: missense variant. On other transcripts: non-coding transcript variant (1).
Genome position (GRCh38, 1-based): chr3:128,904,427, G>C. VCF-style: chr3-128904427-G-C. GRCh37 (hg19) VCF-style: chr3-128623270-G-C.
Other names: c.702G>C, p.Glu234Asp (NM_001410805.1); short protein forms E234D, E357D.
Identifiers: ClinVar variation 3363920 (VCV003363920.2).